The following is an entry in ClinVar:

NC_000006.12:g.(?_161973292)_(161973427_?)del

Gene: PRKN (parkin RBR E3 ubiquitin protein ligase; minus strand). Cytogenetic location: 6q26.
Variant type: Deletion.
Identifiers: ClinVar variation 831905 (VCV000831905.1).

ClinVar aggregate classification (germline): Pathogenic (1 of 4 stars; one submission).

Submission:

Labcorp Genetics (formerly Invitae), Labcorp
Classification: Pathogenic. Last evaluated: 2019-10-02. Review status: criteria provided, single submitter. Criteria: Invitae Variant Classification Sherloc (09022015). Collection method: clinical testing. Allele origin: germline.
Comment: This variant is an out-of-frame deletion of the genomic region encompassing exon 6 of the PRKN gene. This is expected to create a premature translational stop signal and result in an absent or disrupted protein product. A similar deletion of exon 6 has been observed to be homozygous in an individual affected with Parkinson's disease (PMID: 17994548). Loss-of-function variants in PRKN are known to be pathogenic (PMID: 10072423, 20301651, 22956510). For these reasons, this variant has been classified as Pathogenic.

Literature cited by the submitters: PubMed 17994548.